The following is an entry in ClinVar:

ClinVar aggregate classification (germline): Uncertain significance (1 of 4 stars; one submission).

Allele frequency attached by ClinVar (database versions not stated): gnomAD exomes below 0.00001; gnomAD 0.00001.
gnomAD v4.1: 2 of 1,611,242 alleles (0.00012%); highest among the groups gnomAD compares: Admixed American, 0.0033%; no homozygotes.

Submission:

Labcorp Genetics (formerly Invitae), Labcorp
Classification: Uncertain significance. Last evaluated: 2021-08-28. Review status: criteria provided, single submitter. Criteria: Invitae Variant Classification Sherloc (09022015). Collection method: clinical testing. Allele origin: germline.
Comment: This sequence change replaces glutamic acid with lysine at codon 1147 of the MYO18B protein (p.Glu1147Lys). The glutamic acid residue is highly conserved and there is a small physicochemical difference between glutamic acid and lysine. This variant is not present in population databases (ExAC no frequency). This variant has not been reported in the literature in individuals affected with MYO18B-related conditions. Algorithms developed to predict the effect of missense changes on protein structure and function are either unavailable or do not agree on the potential impact of this missense change (SIFT: "Not Available"; PolyPhen-2: "Probably Damaging"; Align-GVGD: "Not Available"). In summary, the available evidence is currently insufficient to determine the role of this variant in disease. Therefore, it has been classified as a Variant of Uncertain Significance.

NM_032608.7(MYO18B):c.3439G>A (p.Glu1147Lys)

Gene: MYO18B (myosin XVIIIB; plus strand). Cytogenetic location: 22q12.1.
Variant type: single nucleotide variant.
Coding change: c.3439G>A on transcript NM_032608.7 (MANE Select); coding-DNA position 3439, G replaced by A.
Protein change: p.Glu1147Lys; replaces glutamic acid 1147 with lysine.
Molecular consequence: missense variant.
Genome position (GRCh38, 1-based): chr22:25,846,170, G>A. VCF-style: chr22-25846170-G-A. GRCh37 (hg19) VCF-style: chr22-26242137-G-A.
Other names: c.3442G>A, p.Glu1148Lys (NM_001318245.2); short protein forms E1147K, E1148K.
Identifiers: ClinVar variation 1474844 (VCV001474844.6), dbSNP rs1355956400, ClinGen allele CA410999217.